The following is an entry in ClinVar:

ClinVar aggregate classification (germline): Uncertain significance. Review status: criteria provided, multiple submitters, no conflicts (2 of 4 stars). 4 submissions from 4 submitters: Uncertain significance (2). 2 of the submissions do not count toward it. Last evaluated 2024-12-06.

Allele frequency attached by ClinVar (database versions not stated): gnomAD 0.00001; gnomAD exomes 0.00001 and 0.00002; TOPMed 0.00001; ExAC 0.00002.
gnomAD v4.1: 15 of 1,614,052 alleles (0.00093%); highest among the groups gnomAD compares: Non-Finnish European, 0.0013%; no homozygotes.

Submissions (4):

Labcorp Genetics (formerly Invitae), Labcorp
Classification: Uncertain significance. Last evaluated: 2024-12-06. Review status: criteria provided, single submitter. Criteria: Invitae Variant Classification Sherloc (09022015). Collection method: clinical testing. Allele origin: germline.
Comment: This sequence change replaces asparagine, which is neutral and polar, with serine, which is neutral and polar, at codon 957 of the ARID1A protein (p.Asn957Ser). This variant is present in population databases (rs758593161, gnomAD 0.003%). This variant has not been reported in the literature in individuals affected with ARID1A-related conditions. ClinVar contains an entry for this variant (Variation ID: 1174762). Invitae Evidence Modeling of protein sequence and biophysical properties (such as structural, functional, and spatial information, amino acid conservation, physicochemical variation, residue mobility, and thermodynamic stability) indicates that this missense variant is not expected to disrupt ARID1A protein function with a negative predictive value of 80%. In summary, the available evidence is currently insufficient to determine the role of this variant in disease. Therefore, it has been classified as a Variant of Uncertain Significance.

Genetic Services Laboratory, University of Chicago
Classification: Uncertain significance. Last evaluated: 2018-06-04. Review status: criteria provided, single submitter. Criteria: ACMG Guidelines, 2015. Collection method: clinical testing. Allele origin: germline. Affected: no.

Clinical Genetics DNA and cytogenetics Diagnostics Lab, Erasmus MC, Erasmus Medical Center
Classification: Uncertain significance. Review status: no assertion criteria provided. Collection method: clinical testing. Allele origin: germline. Affected: yes. Study: VKGL Data-share Consensus. Not counted in ClinVar's aggregate classification.

Diagnostic Laboratory, Department of Genetics, University Medical Center Groningen
Classification: Uncertain significance. Review status: no assertion criteria provided. Collection method: clinical testing. Allele origin: germline. Affected: yes. Study: VKGL Data-share Consensus. Not counted in ClinVar's aggregate classification.

NM_006015.6(ARID1A):c.2870A>G (p.Asn957Ser)

Gene: ARID1A (AT-rich interaction domain 1A; plus strand). Cytogenetic location: 1p36.11.
Variant type: single nucleotide variant.
Coding change: c.2870A>G on transcript NM_006015.6 (MANE Select); coding-DNA position 2870, A replaced by G.
Protein change: p.Asn957Ser; replaces asparagine 957 with serine.
Molecular consequence: missense variant.
Genome position (GRCh38, 1-based): chr1:26,766,358, A>G. VCF-style: chr1-26766358-A-G. GRCh37 (hg19) VCF-style: chr1-27092849-A-G.
Other names: c.2870A>G, p.Asn957Ser (NM_139135.4); short protein forms N957S.
Identifiers: ClinVar variation 1174762 (VCV001174762.10), dbSNP rs758593161, ClinGen allele CA707089.